The following is an entry in ClinVar:

ClinVar aggregate classification (germline): Conflicting classifications of pathogenicity. Review status: criteria provided, conflicting classifications (1 of 4 stars). 3 submissions from 3 submitters: Uncertain significance (2); Likely benign (1). Last evaluated 2024-04-04.

Allele frequency attached by ClinVar (database versions not stated): gnomAD 0.00007; ExAC 0.00008; TOPMed 0.00011; gnomAD exomes 0.00012; ESP Exome Variant Server 0.00023.
gnomAD v4.1: 191 of 1,614,158 alleles (0.012%); highest among the groups gnomAD compares: Non-Finnish European, 0.014%; no homozygotes.

Submissions (3):

Ambry Genetics
Classification: Likely benign. Last evaluated: 2024-04-04. Review status: criteria provided, single submitter. Criteria: Ambry Variant Classification Scheme 2023. Collection method: clinical testing. Allele origin: germline.

Blueprint Genetics
Classification: Uncertain significance. Last evaluated: 2024-02-06. Review status: criteria provided, single submitter. Criteria: ACMG Guidelines, 2015. Collection method: clinical testing. Allele origin: germline.

Labcorp Genetics (formerly Invitae), Labcorp
Classification: Uncertain significance. Last evaluated: 2022-08-09. Review status: criteria provided, single submitter. Criteria: Invitae Variant Classification Sherloc (09022015). Collection method: clinical testing. Allele origin: germline.
Comment: In summary, the available evidence is currently insufficient to determine the role of this variant in disease. Therefore, it has been classified as a Variant of Uncertain Significance. Algorithms developed to predict the effect of missense changes on protein structure and function output the following: SIFT: "Tolerated"; PolyPhen-2: "Benign"; Align-GVGD: "Class C0". The leucine amino acid residue is found in multiple mammalian species, which suggests that this missense change does not adversely affect protein function. This variant has not been reported in the literature in individuals affected with KIAA0556-related conditions. This variant is present in population databases (rs147544279, gnomAD 0.01%). This sequence change replaces serine, which is neutral and polar, with leucine, which is neutral and non-polar, at codon 637 of the KIAA0556 protein (p.Ser637Leu).

NM_015202.5(KATNIP):c.1910C>T (p.Ser637Leu)

Gene: KATNIP (katanin interacting protein; plus strand). Cytogenetic location: 16p12.1.
Variant type: single nucleotide variant.
Coding change: c.1910C>T on transcript NM_015202.5 (MANE Select); coding-DNA position 1910, C replaced by T.
Protein change: p.Ser637Leu; replaces serine 637 with leucine.
Molecular consequence: missense variant.
Genome position (GRCh38, 1-based): chr16:27,740,207, C>T. VCF-style: chr16-27740207-C-T. GRCh37 (hg19) VCF-style: chr16-27751528-C-T.
Other names: c.1910C>T (NM_015202.2); short protein forms S637L.
Identifiers: ClinVar variation 2050415 (VCV002050415.5), dbSNP rs147544279, ClinGen allele CA7977857.